The following is an entry in ClinVar:

ClinVar aggregate classification (germline): Likely benign (1 of 4 stars; one submission).

Allele frequency attached by ClinVar (database versions not stated): 1000 Genomes Project 30x 0.00031; gnomAD exomes 0.00031; 1000 Genomes Project 0.00040; ExAC 0.00045; TOPMed 0.00084; gnomAD 0.00092; ESP Exome Variant Server 0.00131.

Submission:

CeGaT Center for Human Genetics Tuebingen
Classification: Likely benign. Last evaluated: 2023-01-01. Review status: criteria provided, single submitter. Criteria: CeGaT Center For Human Genetics Tuebingen Variant Classification Criteria Version 2. Collection method: clinical testing. Allele origin: germline. Affected: yes. Observed: 1 variant allele.
Comment: TWSG1: BP4, BP7

NM_020648.6(TWSG1):c.603C>T (p.Cys201=)

Gene: TWSG1 (twisted gastrulation BMP signaling modulator 1; plus strand). Cytogenetic location: 18p11.22.
Variant type: single nucleotide variant.
Coding change: c.603C>T on transcript NM_020648.6 (MANE Select); coding-DNA position 603, C replaced by T.
Protein change: p.Cys201=; no amino-acid change (cysteine 201 retained).
Molecular consequence: synonymous variant.
Genome position (GRCh38, 1-based): chr18:9,399,458, C>T. VCF-style: chr18-9399458-C-T. GRCh37 (hg19) VCF-style: chr18-9399456-C-T.
Identifiers: ClinVar variation 2648566 (VCV002648566.24), dbSNP rs138769456, ClinGen allele CA8888790.
Genomic context (GRCh38, chr18:9,399,458, plus strand): 5'-TAAAATATCCTGTGAGTCCATGGGAGCATCCAAATATCGCTGGTTTCATAATGCCTGCTG[C>T]GAGTGCATTGGTCCAGAATGTATTGACTATGGTAGTAAAACTGTCAAATGTATGAACTGC-3'
Protein context (NP_065699.1, residues 191-211): SKYRWFHNAC[Cys201=]ECIGPECIDY